The following is an entry in ClinVar:

ClinVar aggregate classification (germline): Uncertain significance (1 of 4 stars; one submission).

Conditions:
Hypertrophic cardiomyopathy. Also called: HYPERTROPHIC MYOCARDIOPATHY. Identifiers: Orphanet 217569, MedGen C0007194, MeSH D002312, MONDO:0005045, HP:0001639.

Allele frequency attached by ClinVar (database versions not stated): gnomAD exomes below 0.00001.

Submission:

Labcorp Genetics (formerly Invitae), Labcorp
Classification: Uncertain significance for Hypertrophic cardiomyopathy. Last evaluated: 2023-07-09. Review status: criteria provided, single submitter. Criteria: Invitae Variant Classification Sherloc (09022015). Collection method: clinical testing. Allele origin: germline.
Comment: This sequence change affects codon 824 of the MYBPC3 mRNA. It is a 'silent' change, meaning that it does not change the encoded amino acid sequence of the MYBPC3 protein. This variant is not present in population databases (gnomAD no frequency). This variant has not been reported in the literature in individuals affected with MYBPC3-related conditions. Algorithms developed to predict the effect of sequence changes on RNA splicing suggest that this variant may create or strengthen a splice site. In summary, the available evidence is currently insufficient to determine the role of this variant in disease. Therefore, it has been classified as a Variant of Uncertain Significance.

NM_000256.3(MYBPC3):c.2472C>T (p.Asp824=)

Gene: MYBPC3 (myosin binding protein C3; minus strand). Cytogenetic location: 11p11.2.
Variant type: single nucleotide variant.
Coding change: c.2472C>T on transcript NM_000256.3 (MANE Select); coding-DNA position 2472, C replaced by T.
Protein change: p.Asp824=; no amino-acid change (aspartic acid 824 retained).
Molecular consequence: synonymous variant.
Genome position (GRCh38, 1-based): chr11:47,337,521, G>A on the plus strand (C>T on the coding strand, the complement: MYBPC3 is on the minus strand). VCF-style: chr11-47337521-G-A. GRCh37 (hg19) VCF-style: chr11-47359072-G-A.
Identifiers: ClinVar variation 2739357 (VCV002739357.3), dbSNP rs2495749738, ClinGen allele CA474429339.